The following is an entry in ClinVar:

ClinVar aggregate classification (germline): Pathogenic (1 of 4 stars; one submission).

Conditions:
Inborn genetic diseases. Identifiers: MedGen C0950123, MeSH D030342.

Submission:

Ambry Genetics
Classification: Pathogenic for Inborn genetic diseases. Last evaluated: 2024-07-10. Review status: criteria provided, single submitter. Criteria: Ambry Variant Classification Scheme 2023. Collection method: clinical testing. Allele origin: germline.
Comment: The c.1075C>T (p.Q359*) alteration, located in exon 3 (coding exon 3) of the NR2F1 gene, consists of a C to T substitution at nucleotide position 1075. This changes the amino acid from a glutamine (Q) to a stop codon at amino acid position 359. This alteration occurs at the 3' terminus of the NR2F1 gene, is not expected to trigger nonsense-mediated mRNA decay, and impacts the last 15.4% of the protein. Premature stop codons are typically deleterious in nature and a significant portion of the protein is affected (Ambry internal data). This variant was not reported in population-based cohorts in the Genome Aggregation Database (gnomAD). This variant has been determined to be the result of a de novo mutation in one individual with features consistent with Bosch-Boonstra-Schaaf optic atrophy syndrome (Klimara, 2022). Based on the available evidence, this alteration is classified as pathogenic.

Literature cited by the submitters: PubMed 36194208.

NM_005654.6(NR2F1):c.1075C>T (p.Gln359Ter)

Gene: NR2F1 (nuclear receptor subfamily 2 group F member 1; plus strand). Cytogenetic location: 5q15.
Variant type: single nucleotide variant.
Coding change: c.1075C>T on transcript NM_005654.6 (MANE Select); coding-DNA position 1075, C replaced by T.
Protein change: p.Gln359Ter; replaces glutamine 359 with a stop codon.
Molecular consequence: nonsense.
Genome position (GRCh38, 1-based): chr5:93,593,645, C>T. VCF-style: chr5-93593645-C-T. GRCh37 (hg19) VCF-style: chr5-92929351-C-T.
Other names: c.625C>T, p.Gln209Ter (NM_001410754.1); short protein forms Q209*, Q359*.
Identifiers: ClinVar variation 3407655 (VCV003407655.1).